The following is an entry in ClinVar:

ClinVar aggregate classification (germline): Benign/Likely benign. Review status: criteria provided, multiple submitters, no conflicts (2 of 4 stars). 3 submissions from 3 submitters: Benign (1); Likely benign (1). 1 of the submissions does not count toward it. Last evaluated 2023-11-03.

Conditions:
SLC26A1-related disorder. Also called: SLC26A1-related condition.
Nephrolithiasis, calcium oxalate. Also called: Calcium oxalate urolithiasis. Identifiers: MedGen C1833683, MONDO:0957318, HP:0008672.

Allele frequency attached by ClinVar (database versions not stated): gnomAD 0.00022; gnomAD exomes 0.00041 and 0.00084; 1000 Genomes Project 30x 0.00047; 1000 Genomes Project 0.00060; ExAC 0.00093; TOPMed 0.00008.
gnomAD v4.1: 634 of 1,607,548 alleles (0.039%); highest among the groups gnomAD compares: South Asian, 0.66%; 8 homozygotes.

Submissions (3):

Labcorp Genetics (formerly Invitae), Labcorp
Classification: Benign. Last evaluated: 2023-11-03. Review status: criteria provided, single submitter. Criteria: Invitae Variant Classification Sherloc (09022015). Collection method: clinical testing. Allele origin: germline.

Fulgent Genetics
Classification: Likely benign for Nephrolithiasis susceptibility caused by SLC26A1. Last evaluated: 2021-11-17. Review status: criteria provided, single submitter. Criteria: ACMG Guidelines, 2015. Collection method: clinical testing. Allele origin: unknown.

PreventionGenetics, part of Exact Sciences
Classification: Likely benign for SLC26A1-related condition. Last evaluated: 2020-03-17. Review status: no assertion criteria provided. Collection method: clinical testing. Allele origin: germline. Not counted in ClinVar's aggregate classification.
Comment: This variant is classified as likely benign based on ACMG/AMP sequence variant interpretation guidelines (Richards et al. 2015 PMID: 25741868, with internal and published modifications).

NM_022042.4(SLC26A1):c.181C>T (p.Arg61Cys)

Genes: IDUA (alpha-L-iduronidase; plus strand), SLC26A1 (solute carrier family 26 member 1; minus strand). Cytogenetic location: 4p16.3.
Variant type: single nucleotide variant.
Coding change: c.181C>T on transcript NM_022042.4 (MANE Select); coding-DNA position 181, C replaced by T.
Protein change: p.Arg61Cys; replaces arginine 61 with cysteine.
Molecular consequence: missense variant. On other transcripts: intron variant (1).
Genome position (GRCh38, 1-based): chr4:991,523, G>A on the plus strand (C>T on the coding strand, the complement: SLC26A1 is on the minus strand). VCF-style: chr4-991523-G-A. GRCh37 (hg19) VCF-style: chr4-985311-G-A.
Other names: c.181C>T (NM_022042.3); c.181C>T, p.Arg61Cys (NM_134425.4, NM_213613.4); c.299+3574G>A (NM_000203.5); short protein forms R61C.
Identifiers: ClinVar variation 1601240 (VCV001601240.11), dbSNP rs547128457, ClinGen allele CA2801752.